The following is an entry in ClinVar:

NM_024408.4(NOTCH2):c.2353A>C (p.Lys785Gln)

Gene: NOTCH2 (notch receptor 2; minus strand). Cytogenetic location: 1p12.
Variant type: single nucleotide variant.
Coding change: c.2353A>C on transcript NM_024408.4 (MANE Select); coding-DNA position 2353, A replaced by C.
Protein change: p.Lys785Gln; replaces lysine 785 with glutamine.
Molecular consequence: missense variant.
Genome position (GRCh38, 1-based): chr1:119,953,555, T>G on the plus strand (A>C on the coding strand, the complement: NOTCH2 is on the minus strand). VCF-style: chr1-119953555-T-G. GRCh37 (hg19) VCF-style: chr1-120496178-T-G.
Other names: c.2353A>C, p.Lys785Gln (NM_001200001.2); short protein forms K785Q.
Identifiers: ClinVar variation 2804267 (VCV002804267.3), dbSNP rs781890136, ClinGen allele CA1040332.
Genomic context (GRCh38, chr1:119,953,555, plus strand): 5'-AACAAGAAGACAAAGAGCAGACGCAGAAAGATGTACTTTTGTTTTCACCTTTAAAGCCCT[T>G]CTTGCAAGTACACCTGTATCCATTCACCAGATTGTCACAAGTTCCTCCATTCTGGCATGG-3'
Protein context (NP_077719.2, residues 775-795): LVNGYRCTCK[Lys785Gln]GFKGYNCQVN

ClinVar aggregate classification (germline): Uncertain significance (1 of 4 stars; one submission).

Conditions:
Hajdu-Cheney syndrome (HJCYS). Also called: Acroosteolysis dominant type; ACROOSTEOLYSIS WITH OSTEOPOROSIS AND CHANGES IN SKULL AND MANDIBLE; SERPENTINE FIBULA-POLYCYSTIC KIDNEY SYNDROME. Identifiers: Orphanet 955, MedGen C0917715, MONDO:0007057, OMIM 102500.

Allele frequency attached by ClinVar (database versions not stated): TOPMed below 0.00001; ExAC 0.00002.
gnomAD v4.1: 6 of 1,614,164 alleles (0.00037%); highest among the groups gnomAD compares: East Asian, 0.013%; no homozygotes.

Submission:

Labcorp Genetics (formerly Invitae), Labcorp
Classification: Uncertain significance for Hajdu-Cheney syndrome. Last evaluated: 2024-10-23. Review status: criteria provided, single submitter. Criteria: Invitae Variant Classification Sherloc (09022015). Collection method: clinical testing. Allele origin: germline.
Comment: This sequence change replaces lysine, which is basic and polar, with glutamine, which is neutral and polar, at codon 785 of the NOTCH2 protein (p.Lys785Gln). This variant is present in population databases (rs781890136, gnomAD 0.03%). This variant has not been reported in the literature in individuals affected with NOTCH2-related conditions. Invitae Evidence Modeling of protein sequence and biophysical properties (such as structural, functional, and spatial information, amino acid conservation, physicochemical variation, residue mobility, and thermodynamic stability) indicates that this missense variant is not expected to disrupt NOTCH2 protein function with a negative predictive value of 80%. In summary, the available evidence is currently insufficient to determine the role of this variant in disease. Therefore, it has been classified as a Variant of Uncertain Significance.